The following is an entry in ClinVar:

NM_000088.4(COL1A1):c.4282G>A (p.Glu1428Lys)

Gene: COL1A1 (collagen type I alpha 1 chain; minus strand). Cytogenetic location: 17q21.33.
Variant type: single nucleotide variant.
Coding change: c.4282G>A on transcript NM_000088.4 (MANE Select); coding-DNA position 4282, G replaced by A.
Protein change: p.Glu1428Lys; replaces glutamic acid 1428 with lysine.
Molecular consequence: missense variant.
Genome position (GRCh38, 1-based): chr17:50,185,615, C>T on the plus strand (G>A on the coding strand, the complement: COL1A1 is on the minus strand). VCF-style: chr17-50185615-C-T. GRCh37 (hg19) VCF-style: chr17-48262976-C-T.
Other names: short protein forms E1428K.
Identifiers: ClinVar variation 4843468 (VCV004843468.1).

ClinVar aggregate classification (germline): Uncertain significance (1 of 4 stars; one submission).

Conditions:
Cardiovascular phenotype. Identifiers: MedGen CN230736.

Submission:

Ambry Genetics
Classification: Uncertain significance for Cardiovascular phenotype. Last evaluated: 2025-12-21. Review status: criteria provided, single submitter. Criteria: Ambry Variant Classification Scheme 2023. Collection method: clinical testing. Allele origin: germline.
Comment: The p.E1428K variant (also known as c.4282G>A), located in coding exon 51 of the COL1A1 gene, results from a G to A substitution at nucleotide position 4282. The glutamic acid at codon 1428 is replaced by lysine, an amino acid with similar properties. This amino acid position is conserved. In addition, the in silico prediction for this alteration is inconclusive. Based on the available evidence, the clinical significance of this variant remains unclear.